The following is an entry in ClinVar:

NM_172107.4(KCNQ2):c.1020C>G (p.Ile340Met)

Gene: KCNQ2 (potassium voltage-gated channel subfamily Q member 2; minus strand). Cytogenetic location: 20q13.33.
Variant type: single nucleotide variant.
Coding change: c.1020C>G on transcript NM_172107.4 (MANE Select); coding-DNA position 1020, C replaced by G.
Protein change: p.Ile340Met; replaces isoleucine 340 with methionine.
Molecular consequence: missense variant.
Genome position (GRCh38, 1-based): chr20:63,438,628, G>C on the plus strand (C>G on the coding strand, the complement: KCNQ2 is on the minus strand). VCF-style: chr20-63438628-G-C. GRCh37 (hg19) VCF-style: chr20-62069981-G-C.
Other names: p.I340M:ATC>ATG; c.1020C>G, p.Ile340Met (NM_004518.6, NM_172106.3, NM_172108.5 and 1 more transcripts); short protein forms I340M.
Identifiers: ClinVar variation 205896 (VCV000205896.31), dbSNP rs752073942, ClinGen allele CA315426.

ClinVar aggregate classification (germline): Likely pathogenic. Review status: criteria provided, multiple submitters, no conflicts (2 of 4 stars). 2 submissions from 2 submitters: Likely pathogenic (2). Last evaluated 2022-12-01.

Submissions (2):

CeGaT Center for Human Genetics Tuebingen
Classification: Likely pathogenic. Last evaluated: 2022-12-01. Review status: criteria provided, single submitter. Criteria: CeGaT Center For Human Genetics Tuebingen Variant Classification Criteria Version 2. Collection method: clinical testing. Allele origin: germline. Affected: yes. Observed: 1 variant allele.
Comment: KCNQ2: PM2, PP2, PP3, PP4, PS4:Supporting

GeneDx
Classification: Likely pathogenic. Last evaluated: 2014-07-17. Review status: criteria provided, single submitter. Criteria: GeneDx Variant Classification (06012015). Collection method: clinical testing. Allele origin: germline. Affected: yes.
Comment: p.Ile340Met (ATC>ATG): c.1020 C>G in exon 7 of the KCNQ2 gene (NM_172107.2)A I340M variant that is likely pathogenic has been identified in the KCNQ2 gene. The I340M variant has not been published as a mutation, nor has it been reported as a benign polymorphism to our knowledge. It was not observed in approximately 6,500 individuals of European and African American ancestry in the NHLBI Exome Sequencing Project, indicating it is not a common benign variant in these populations. The I340M variant is a conservative amino acid substitution, which is not likely to impact secondary protein structure as these residues share similar properties. This substitution occurs at a position that is conserved across species. Missense mutations in nearby residues (A337G, L339R) have been reported in association with epilepsy, supporting the functional importance of this region of the protein. In silico analysis predicts this variant is probably damaging to the protein structure/function. Therefore, this variant is a strong candidate for a pathogenic mutation, however the possibility that it is a benign variant cannot be excluded. The variant is found in INFANT-EPI panel(s).